The following is an entry in ClinVar:

ClinVar aggregate classification (germline): Uncertain significance. Review status: criteria provided, multiple submitters, no conflicts (2 of 4 stars). 4 submissions from 4 submitters: Uncertain significance (4). Last evaluated 2025-04-03.

Conditions:
Nephronophthisis. Also called: Juvenile Nephronophthisis. Identifiers: Orphanet 655, MedGen C0687120, MONDO:0019005, HP:0000090.
Joubert syndrome. Also called: Familial aplasia of the vermis; JOUBERT-BOLTSHAUSER SYNDROME. Identifiers: Orphanet 475, MedGen C5979921, MONDO:0018772.
Meckel-Gruber syndrome. Also called: Dysencephalia splachnocystica; DYSENCEPHALIA SPLANCHNOCYSTICA; GRUBER SYNDROME. Identifiers: Orphanet 564, MedGen C0265215, MONDO:0018921.
Leber congenital amaurosis 10 (LCA10). Identifiers: Orphanet 65, MedGen C1857821, MONDO:0012723, OMIM 611755.
CEP290-related disorder. Also called: CEP290-related disorders; CEP290-related condition. Identifiers: MedGen CN239314.

Allele frequency attached by ClinVar (database versions not stated): gnomAD exomes below 0.00001.
gnomAD v4.1: 1 of 1,569,776 alleles (0.000064%); highest among the groups gnomAD compares: African/African-American, 0.0014%; no homozygotes.

Submissions (4):

PreventionGenetics, part of Exact Sciences
Classification: Uncertain significance for CEP290-related condition. Last evaluated: 2025-04-03. Review status: criteria provided, single submitter. Criteria: ACMG Guidelines, 2015. Collection method: clinical testing. Allele origin: germline.
Comment: The CEP290 c.5549T>C variant is predicted to result in the amino acid substitution p.Leu1850Pro. To our knowledge, this variant has not been reported in the literature or in gnomAD, indicating that this variant is rare. At this time, the clinical significance of this variant is uncertain due to the absence of conclusive functional and genetic evidence.

Genomic Medicine Center of Excellence, King Faisal Specialist Hospital and Research Centre
Classification: Uncertain significance for Leber congenital amaurosis 10. Last evaluated: 2024-04-04. Review status: criteria provided, single submitter. Criteria: ACMG Guidelines, 2015. Collection method: clinical testing. Allele origin: germline.

Blueprint Genetics
Classification: Uncertain significance. Last evaluated: 2022-09-27. Review status: criteria provided, single submitter. Criteria: ACMG Guidelines, 2015. Collection method: clinical testing. Allele origin: germline.

Labcorp Genetics (formerly Invitae), Labcorp
Classification: Uncertain significance for Joubert syndrome; Meckel-Gruber syndrome; Nephronophthisis. Last evaluated: 2021-12-09. Review status: criteria provided, single submitter. Criteria: Invitae Variant Classification Sherloc (09022015). Collection method: clinical testing. Allele origin: germline.
Comment: This sequence change replaces leucine, which is neutral and non-polar, with proline, which is neutral and non-polar, at codon 1850 of the CEP290 protein (p.Leu1850Pro). This variant is not present in population databases (gnomAD no frequency). This variant has not been reported in the literature in individuals affected with CEP290-related conditions. Algorithms developed to predict the effect of missense changes on protein structure and function (SIFT, PolyPhen-2, Align-GVGD) all suggest that this variant is likely to be disruptive. In summary, the available evidence is currently insufficient to determine the role of this variant in disease. Therefore, it has been classified as a Variant of Uncertain Significance.

NM_025114.4(CEP290):c.5549T>C (p.Leu1850Pro)

Gene: CEP290 (centrosomal protein 290; minus strand). Cytogenetic location: 12q21.32.
Variant type: single nucleotide variant.
Coding change: c.5549T>C on transcript NM_025114.4 (MANE Select); coding-DNA position 5549, T replaced by C.
Protein change: p.Leu1850Pro; replaces leucine 1850 with proline.
Molecular consequence: missense variant.
Genome position (GRCh38, 1-based): chr12:88,077,734, A>G on the plus strand (T>C on the coding strand, the complement: CEP290 is on the minus strand). VCF-style: chr12-88077734-A-G. GRCh37 (hg19) VCF-style: chr12-88471511-A-G.
Other names: c.5549T>C (NM_025114.3); short protein forms L1850P.
Identifiers: ClinVar variation 1486769 (VCV001486769.6), dbSNP rs1176131735, ClinGen allele CA385988145.